The following is an entry in ClinVar:

NM_001375524.1(TRRAP):c.3749C>T (p.Thr1250Ile)

Gene: TRRAP (transformation/transcription domain associated protein; plus strand). Cytogenetic location: 7q22.1.
Variant type: single nucleotide variant.
Coding change: c.3749C>T on transcript NM_001375524.1 (MANE Select); coding-DNA position 3749, C replaced by T.
Protein change: p.Thr1250Ile; replaces threonine 1250 with isoleucine.
Molecular consequence: missense variant.
Genome position (GRCh38, 1-based): chr7:98,931,562, C>T. VCF-style: chr7-98931562-C-T. GRCh37 (hg19) VCF-style: chr7-98529185-C-T.
Other names: c.3749C>T, p.Thr1250Ile (NM_001244580.2, NM_003496.4); short protein forms T1250I.
Identifiers: ClinVar variation 393080 (VCV000393080.5), dbSNP rs1057524776, ClinGen allele CA16605305.

ClinVar aggregate classification (germline): Uncertain significance. Review status: criteria provided, multiple submitters, no conflicts (2 of 4 stars). 2 submissions from 2 submitters: Uncertain significance (2). Last evaluated 2018-08-18.

Conditions:
Inborn genetic diseases. Identifiers: MedGen C0950123, MeSH D030342.

Submissions (2):

GeneDx
Classification: Uncertain significance. Last evaluated: 2018-08-18. Review status: criteria provided, single submitter. Criteria: GeneDx Variant Classification (06012015). Collection method: clinical testing. Allele origin: germline. Affected: yes.
Comment: The T1250I variant in the TRRAP gene has not been reported previously as a pathogenic variant, nor as a benign variant, to our knowledge. This variant was not observed in approximately 6,500 individuals of European and African American ancestry in the NHLBI Exome Sequencing Project, indicating it is not a common benign variant in these populations. The T1250I variant is a non-conservative amino acid substitution, which is likely to impact secondary protein structure as these residues differ in polarity, charge, size and/or other properties. This substitution occurs at a position that is conserved across species, and in silico analysis predicts this variant is probably damaging to the protein structure/function. Based on currently available evidence, we interpret T1250I as a variant of uncertain significance.

Ambry Genetics
Classification: Uncertain significance for Inborn genetic diseases. Last evaluated: 2017-10-15. Review status: criteria provided, single submitter. Criteria: Ambry exome assertion method (8-5-2015). Collection method: clinical testing. Allele origin: germline. Affected: yes. Observed: 1 variant allele.